The following is an entry in ClinVar:

ClinVar aggregate classification (germline): Benign (3 of 4 stars; one submission).

Conditions:
Breast-ovarian cancer, familial, susceptibility to, 1 (BROVCA1). Also called: OVARIAN CANCER, SUSCEPTIBILITY TO; BRCA1 Hereditary Breast and Ovarian Cancer. Identifiers: Orphanet 145, MedGen C2676676, MONDO:0011450, OMIM 604370. Disease mechanism: loss of function.

Allele frequency attached by ClinVar (database versions not stated): TOPMed 0.28402; 1000 Genomes Project 30x 0.33011; 1000 Genomes Project 0.33586.
gnomAD v4.1: 45,578 of 151,566 alleles (30%); highest among the groups gnomAD compares: South Asian, 49%; 7,406 homozygotes.

Submission:

Evidence-based Network for the Interpretation of Germline Mutant Alleles (ENIGMA)
Classification: Benign for Breast-ovarian cancer, familial 1. Last evaluated: 2015-01-12. Review status: reviewed by expert panel. Criteria: ENIGMA BRCA1/2 Classification Criteria (2015). Collection method: curation. Allele origin: germline.
Comment: Class 1 not pathogenic based on frequency >1% in an outbred sampleset. Frequency 0.33 (Asian), 0.13 (African), 0.35 (European), derived from 1000 genomes (2012-04-30).

NM_007294.3(BRCA1):c.-2569G>T

Genes: BRCA1 (BRCA1 DNA repair associated; minus strand), NBR2 (neighbor of BRCA1 lncRNA 2; plus strand). Cytogenetic location: 17q21.31.
Variant type: single nucleotide variant.
Coding change: c.-2569G>T on transcript NM_007294.3; 2569 bases upstream of the start codon, G replaced by T.
Molecular consequence: intron variant (on NM_001408458.1).
Genome position (GRCh38, 1-based): chr17:43,127,820, C>A on the plus strand (G>T on the coding strand, the complement: BRCA1 is on the minus strand). VCF-style: chr17-43127820-C-A. GRCh37 (hg19) VCF-style: chr17-41279837-C-A.
Other names: -2450 G>T; c.-61-12041G>T (NM_001408458.1).
Identifiers: ClinVar variation 209594 (VCV000209594.3), dbSNP rs35981166, ClinGen allele CA276563.